The following is an entry in ClinVar:

ClinVar aggregate classification (germline): Uncertain significance. Review status: criteria provided, multiple submitters, no conflicts (2 of 4 stars). 3 submissions from 3 submitters: Uncertain significance (3). Last evaluated 2024-04-19.

Conditions:
Familial focal epilepsy with variable foci (FPEVF). Identifiers: Orphanet 98820, MedGen C1858477, MONDO:0020310.

Allele frequency attached by ClinVar (database versions not stated): gnomAD exomes below 0.00001; TOPMed 0.00002; gnomAD 0.00003.
gnomAD v4.1: 5 of 1,612,086 alleles (0.00031%); highest among the groups gnomAD compares: African/African-American, 0.0067%; no homozygotes.

Submissions (3):

Women's Health and Genetics/Laboratory Corporation of America, LabCorp
Classification: Uncertain significance. Last evaluated: 2024-04-19. Review status: criteria provided, single submitter. Criteria: LabCorp Variant Classification Summary - May 2015. Collection method: clinical testing. Allele origin: germline.
Comment: Variant summary: DEPDC5 c.675C>G (p.Phe225Leu) results in a non-conservative amino acid change located in the Vacuolar membrane-associated protein Iml1, N-terminal domain of the encoded protein sequence. Three of four in-silico tools predict a benign effect of the variant on protein function. The variant allele was found at a frequency of 4e-06 in 249268 control chromosomes. The available data on variant occurrences in the general population are insufficient to allow any conclusion about variant significance. To our knowledge, no occurrence of c.675C>G in individuals affected with Epilepsy, Familial Focal, With Variable Foci 1 and no experimental evidence demonstrating its impact on protein function have been reported. ClinVar contains an entry for this variant (Variation ID: 1723726). Based on the evidence outlined above, the variant was classified as uncertain significance.

Labcorp Genetics (formerly Invitae), Labcorp
Classification: Uncertain significance for Familial focal epilepsy with variable foci. Last evaluated: 2023-11-09. Review status: criteria provided, single submitter. Criteria: Invitae Variant Classification Sherloc (09022015). Collection method: clinical testing. Allele origin: germline.
Comment: This sequence change replaces phenylalanine, which is neutral and non-polar, with leucine, which is neutral and non-polar, at codon 225 of the DEPDC5 protein (p.Phe225Leu). This variant is present in population databases (no rsID available, gnomAD 0.01%). This variant has not been reported in the literature in individuals affected with DEPDC5-related conditions. ClinVar contains an entry for this variant (Variation ID: 1723726). Experimental studies and prediction algorithms are not available or were not evaluated, and the functional significance of this variant is currently unknown. In summary, the available evidence is currently insufficient to determine the role of this variant in disease. Therefore, it has been classified as a Variant of Uncertain Significance.

GeneDx
Classification: Uncertain significance. Last evaluated: 2023-05-16. Review status: criteria provided, single submitter. Criteria: GeneDx Variant Classification Process June 2021. Collection method: clinical testing. Allele origin: germline. Affected: yes.
Comment: In silico analysis supports that this missense variant has a deleterious effect on protein structure/function; Has not been previously published as pathogenic or benign to our knowledge

NM_001242896.3(DEPDC5):c.675C>G (p.Phe225Leu)

Gene: DEPDC5 (DEP domain containing 5, GATOR1 subcomplex subunit; plus strand). Cytogenetic location: 22q12.2.
Variant type: single nucleotide variant.
Coding change: c.675C>G on transcript NM_001242896.3 (MANE Select); coding-DNA position 675, C replaced by G.
Protein change: p.Phe225Leu; replaces phenylalanine 225 with leucine.
Molecular consequence: missense variant. On other transcripts: non-coding transcript variant (5).
Genome position (GRCh38, 1-based): chr22:31,792,083, C>G. VCF-style: chr22-31792083-C-G. GRCh37 (hg19) VCF-style: chr22-32188069-C-G.
Other names: c.675C>G, p.Phe225Leu (NM_001007188.4, NM_001136029.4, NM_001242897.2 and 7 more transcripts); c.591C>G, p.Phe197Leu (NM_001369901.1, NM_001369902.1); short protein forms F197L, F225L.
Identifiers: ClinVar variation 1723726 (VCV001723726.7), dbSNP rs1384974730, ClinGen allele CA411288380.